The following is an entry in ClinVar:

ClinVar aggregate classification (germline): Uncertain significance (1 of 4 stars; one submission).

Submission:

GeneDx
Classification: Uncertain significance. Last evaluated: 2024-08-05. Review status: criteria provided, single submitter. Criteria: GeneDx Variant Classification Process June 2021. Collection method: clinical testing. Allele origin: germline. Affected: yes.
Comment: Not observed at significant frequency in large population cohorts (gnomAD); In-frame deletion of 1 amino acid in a non-repeat region; In silico analysis supports a deleterious effect on protein structure/function; Has not been previously published as pathogenic or benign to our knowledge; This variant is associated with the following publications: (PMID: 26807690)

NM_001927.4(DES):c.1351_1353del (p.Ile451del)

Gene: DES (desmin; plus strand). Cytogenetic location: 2q35.
Variant type: Deletion.
Coding change: c.1351_1353del on transcript NM_001927.4 (MANE Select); coding-DNA positions 1351 to 1353, 3 bases deleted (ATC; older notation c.1351_1353delATC).
Protein change: p.Ile451del; deletes isoleucine 451.
Molecular consequence: inframe deletion. On other transcripts: inframe indel (1).
Genome position (GRCh38, 1-based): chr2:219,425,725-219,425,727, ATC deleted; deleting any 3 consecutive bases within chr2:219,425,724-219,425,727 gives the same sequence; the c. name uses the placement nearest the transcript's 3' end. VCF-style (leftmost placement, unchanged base first): chr2-219425723-CCAT-C. GRCh37 (hg19) VCF-style: chr2-220290445-CCAT-C.
Other names: c.1348_1350del, p.Ile450del (NM_001382708.1); c.919_921del, p.Ile307del (NM_001382709.1); c.1282_1284del, p.Ile428del (NM_001382710.1); c.1330_1332del, p.Ile444del (NM_001382711.1); c.1351_1353del, p.Ile451del (NM_001382712.1); c.1081_1083del, p.Ile361del (NM_001382713.1); c.1351_1353delATC, p.Ile451del (NM_001927.3); short protein forms I307del, I361del, I428del, I444del, I450del, I451del.
Identifiers: ClinVar variation 3603106 (VCV003603106.1).